The following is an entry in ClinVar:

ClinVar aggregate classification (germline): Uncertain significance. Review status: criteria provided, multiple submitters, no conflicts (2 of 4 stars). 2 submissions from 2 submitters: Uncertain significance (2). Last evaluated 2026-01-13.

Conditions:
Hereditary cancer-predisposing syndrome. Also called: Tumor predisposition; Hereditary neoplastic syndrome; Hereditary Cancer Syndrome; Neoplastic Syndromes, Hereditary. Identifiers: Orphanet 140162, MedGen C0027672, MeSH D009386, MONDO:0015356.

Allele frequency attached by ClinVar (database versions not stated): gnomAD exomes below 0.00001.
gnomAD v4.1: 2 of 1,602,836 alleles (0.00012%); highest among the groups gnomAD compares: Admixed American, 0.0033%; no homozygotes.

Submissions (2):

Labcorp Genetics (formerly Invitae), Labcorp
Classification: Uncertain significance. Last evaluated: 2026-01-13. Review status: criteria provided, single submitter. Criteria: Invitae Variant Classification Sherloc (09022015). Collection method: clinical testing. Allele origin: germline.
Comment: This sequence change replaces arginine, which is basic and polar, with threonine, which is neutral and polar, at codon 1103 of the MSH3 protein (p.Arg1103Thr). This variant is present in population databases (no rsID available, gnomAD 0.003%). This variant has not been reported in the literature in individuals affected with MSH3-related conditions. ClinVar contains an entry for this variant (Variation ID: 1053421). An algorithm developed to predict the effect of missense changes on protein structure and function (PolyPhen-2) suggests that this variant is likely to be tolerated. In summary, the available evidence is currently insufficient to determine the role of this variant in disease. Therefore, it has been classified as a Variant of Uncertain Significance.

Ambry Genetics
Classification: Uncertain significance for Hereditary cancer-predisposing syndrome. Last evaluated: 2025-09-21. Review status: criteria provided, single submitter. Criteria: Ambry Variant Classification Scheme 2023. Collection method: clinical testing. Allele origin: germline.
Comment: The p.R1103T variant (also known as c.3308G>C), located in coding exon 24 of the MSH3 gene, results from a G to C substitution at nucleotide position 3308. The arginine at codon 1103 is replaced by threonine, an amino acid with similar properties. This amino acid position is conserved. In addition, the in silico prediction for this alteration is inconclusive. Based on the available evidence, the clinical significance of this variant remains unclear.

NM_002439.5(MSH3):c.3308G>C (p.Arg1103Thr)

Gene: MSH3 (mutS homolog 3; plus strand). Cytogenetic location: 5q14.1.
Variant type: single nucleotide variant.
Coding change: c.3308G>C on transcript NM_002439.5 (MANE Select); coding-DNA position 3308, G replaced by C.
Protein change: p.Arg1103Thr; replaces arginine 1103 with threonine.
Molecular consequence: missense variant.
Genome position (GRCh38, 1-based): chr5:80,875,756, G>C. VCF-style: chr5-80875756-G-C. GRCh37 (hg19) VCF-style: chr5-80171575-G-C.
Other names: c.3308G>C (NM_002439.3); short protein forms R1103T.
Identifiers: ClinVar variation 1053421 (VCV001053421.10), dbSNP rs1204268208, ClinGen allele CA360347271.
Genomic context (GRCh38, chr5:80,875,756, plus strand): 5'-TATTGTCTCCCAGCAATTTCATTTATTAAATAAGTAGTATTTGATTTTTCCCCAGAAAGA[G>C]ACTCAAGTATTTTGCAAAGTTATGGACGATGCATAATGCACAAGACCTGCAGAAGTGGAC-3'
Protein context (NP_002430.3, residues 1093-1113): LEGLINTKRK[Arg1103Thr]LKYFAKLWTM